The following is an entry in ClinVar:

ClinVar aggregate classification (germline): Likely pathogenic (3 of 4 stars; one submission).

Conditions:
Phenylketonuria (PKU). Also called: FOLLING DISEASE; OLIGOPHRENIA PHENYLPYRUVICA; Phenylketonurias; Phenylketonuria (PKU). Identifiers: Orphanet 716, MedGen C0031485, MONDO:0009861, OMIM 261600. Disease mechanism: loss of function.

Submission:

ClinGen PAH Variant Curation Expert Panel
Classification: Likely pathogenic for Phenylketonuria. Last evaluated: 2024-09-06. Review status: reviewed by expert panel. Criteria: ClinGen PAH ACMG Specifications v1. Collection method: curation. Allele origin: germline. Inheritance: Autosomal recessive inheritance.
Comment: This variant is absent in population databases. Multiple lines of computational evidence support a deleterious effect (REVEL=0.878). In summary, this variant meets criteria to be classified as likely pathogenic for PAH. PAH-specific ACMG/AMP criteria applied: PM2_supporting, PM3_supporting, PP3_moderate, PP4_moderate.

NM_000277.3(PAH):c.395C>T (p.Ala132Val)

Gene: PAH (phenylalanine hydroxylase; minus strand). Cytogenetic location: 12q23.2.
Variant type: single nucleotide variant.
Coding change: c.395C>T on transcript NM_000277.3 (MANE Select); coding-DNA position 395, C replaced by T.
Protein change: p.Ala132Val; replaces alanine 132 with valine.
Molecular consequence: missense variant.
Genome position (GRCh38, 1-based): chr12:102,877,508, G>A on the plus strand (C>T on the coding strand, the complement: PAH is on the minus strand). VCF-style: chr12-102877508-G-A. GRCh37 (hg19) VCF-style: chr12-103271286-G-A.
Other names: NM_001354304.2:c.395C>T; c.395C>T, p.Ala132Val (NM_001354304.2); short protein forms A132V.
Identifiers: ClinVar variation 3393469 (VCV003393469.1).